The following is an entry in ClinVar:

ClinVar aggregate classification (germline): not provided (0 of 4 stars; one submission).

Conditions:
Familial long QT syndrome (RWS). Also called: Congenital long QT syndrome; Romano-Ward syndrome; VENTRICULAR FIBRILLATION WITH PROLONGED QT INTERVAL. Identifiers: Orphanet 768, MedGen C1141890, MONDO:0019171.

Submission:

Cardiovascular Biomedical Research Unit, Royal Brompton & Harefield NHS Foundation Trust
No classification provided. Condition: Familial long QT syndrome. Review status: no classification provided. Collection method: literature only. Allele origin: germline.
Comment: This variant has been reported as associated with Long QT syndrome in the following publications (PMID:10973849;PMID:15051636). This is a literature report, and does not necessarily reflect the clinical interpretation of the Imperial College / Royal Brompton Cardiovascular Genetics laboratory.

Literature cited by the submitters: PubMed 10973849; PubMed 15051636; PubMed 22581653.

NM_000218.3(KCNQ1):c.1172C>T (p.Thr391Ile)

Gene: KCNQ1 (potassium voltage-gated channel subfamily Q member 1; plus strand). Cytogenetic location: 11p15.5.
Variant type: single nucleotide variant.
Coding change: c.1172C>T on transcript NM_000218.3 (MANE Select); coding-DNA position 1172, C replaced by T.
Protein change: p.Thr391Ile; replaces threonine 391 with isoleucine.
Molecular consequence: missense variant.
Genome position (GRCh38, 1-based): chr11:2,587,613, C>T. VCF-style: chr11-2587613-C-T. GRCh37 (hg19) VCF-style: chr11-2608843-C-T.
Other names: c.1172C>T (LRG_287t1); c.1076C>T, p.Thr359Ile (NM_001406836.1); c.902C>T, p.Thr301Ile (NM_001406837.1); c.632C>T, p.Thr211Ile (NM_001406838.1); c.791C>T, p.Thr264Ile (NM_181798.2); short protein forms T391I, T264I, T301I, T359I, T211I.
Identifiers: ClinVar variation 52967 (VCV000052967.3), dbSNP rs199473474, ClinGen allele CA005438.